The following is an entry in ClinVar:

ClinVar aggregate classification (germline): Uncertain significance. Review status: criteria provided, multiple submitters, no conflicts (2 of 4 stars). 2 submissions from 2 submitters: Uncertain significance (2). Last evaluated 2026-05-22.

Conditions:
TTN-related disorder. Also called: TTN-related condition; TTN-related disease; TTN-related disorders.

Allele frequency attached by ClinVar (database versions not stated): gnomAD exomes below 0.00001 and 0.00002; TOPMed 0.00001; gnomAD 0.00002 and 0.00003; ExAC 0.00004.

Submissions (2):

PreventionGenetics, part of Exact Sciences
Classification: Uncertain significance for TTN-related condition. Last evaluated: 2026-05-22. Review status: criteria provided, single submitter. Criteria: ACMG Guidelines, 2015. Collection method: clinical testing. Allele origin: germline.
Comment: The TTN c.57826C>T variant is predicted to result in the amino acid substitution p.Leu19276Phe. To our knowledge, this variant has not been reported in the literature. This variant is reported in 0.0054% of alleles in individuals of African descent in gnomAD. At this time, the clinical significance of this variant is uncertain due to the absence of conclusive functional and genetic evidence.

Women's Health and Genetics/Laboratory Corporation of America, LabCorp
Classification: Uncertain significance. Last evaluated: 2023-03-01. Review status: criteria provided, single submitter. Criteria: LabCorp Variant Classification Summary - May 2015. Collection method: clinical testing. Allele origin: germline.
Comment: Variant summary: TTN c.50122C>T (p.Leu16708Phe) results in a non-conservative amino acid change located in the A-band of the encoded protein sequence. Two of four in-silico tools predict a benign effect of the variant on protein function. The variant allele was found at a frequency of 1.8e-05 in 170798 control chromosomes. The available data on variant occurrences in the general population are insufficient to allow any conclusion about variant significance. To our knowledge, no occurrence of c.50122C>T in individuals affected with Dilated Cardiomyopathy and no experimental evidence demonstrating its impact on protein function have been reported. No clinical diagnostic laboratories have submitted clinical-significance assessments for this variant to ClinVar after 2014. Based on the evidence outlined above, the variant was classified as uncertain significance.

NM_001267550.2(TTN):c.57826C>T (p.Leu19276Phe)

Genes: TTN (titin; minus strand), TTN-AS1 (TTN antisense RNA 1; plus strand). Cytogenetic location: 2q31.2.
Variant type: single nucleotide variant.
Coding change: c.57826C>T on transcript NM_001267550.2 (MANE Select); coding-DNA position 57826, C replaced by T.
Protein change: p.Leu19276Phe; replaces leucine 19276 with phenylalanine.
Molecular consequence: missense variant.
Genome position (GRCh38, 1-based): chr2:178,595,528, G>A on the plus strand (C>T on the coding strand, the complement: TTN is on the minus strand). VCF-style: chr2-178595528-G-A. GRCh37 (hg19) VCF-style: chr2-179460255-G-A.
Other names: c.52903C>T, p.Leu17635Phe (NM_001256850.1); c.30631C>T, p.Leu10211Phe (NM_003319.4); c.50122C>T, p.Leu16708Phe (NM_133378.4); c.31006C>T, p.Leu10336Phe (NM_133432.3); c.31207C>T, p.Leu10403Phe (NM_133437.4); short protein forms L16708F, L10336F, L10211F, L10403F, L19276F, L17635F.
Identifiers: ClinVar variation 2501282 (VCV002501282.2), dbSNP rs756493505, ClinGen allele CA1992992.